The following is an entry in ClinVar:

Conditions:
Breast-ovarian cancer, familial, susceptibility to, 1 (BROVCA1). Also called: BRCA1 Hereditary Breast and Ovarian Cancer; OVARIAN CANCER, SUSCEPTIBILITY TO. Identifiers: Orphanet 145, MedGen C2676676, MONDO:0011450, OMIM 604370. Disease mechanism: loss of function.

Submission:

Brotman Baty Institute, University of Washington
No classification provided (evidence only). Condition: Breast-ovarian cancer, familial 1. Review status: no classification provided. Collection method: in vitro. Allele origin: not applicable. Functional consequence: functionally_normal.
ClinVar note: "not provided" was previously submitted as the classification for the variant. However, the classification appeared to be based only on an observation of functional data so it was converted to no classification on 2025-07-30.

NM_007294.4(BRCA1):c.5230A>C (p.Arg1744=)

Gene: BRCA1 (BRCA1 DNA repair associated; minus strand). Cytogenetic location: 17q21.31.
Variant type: single nucleotide variant.
Coding change: c.5230A>C on transcript NM_007294.4 (MANE Select); coding-DNA position 5230, A replaced by C.
Protein change: p.Arg1744=; no amino-acid change (arginine 1744 retained).
Molecular consequence: synonymous variant.
Genome position (GRCh38, 1-based): chr17:43,057,099, T>G on the plus strand (A>C on the coding strand, the complement: BRCA1 is on the minus strand). VCF-style: chr17-43057099-T-G. GRCh37 (hg19) VCF-style: chr17-41209116-T-G.
Other names: c.5017A>C, p.Arg1673= (NM_001407571.1, NM_001407894.1, NM_001407895.1 and 12 more transcripts); c.5296A>C, p.Arg1766= (NM_001407581.1, NM_001407582.1); c.5293A>C, p.Arg1765= (NM_001407583.1, NM_001407585.1, NM_001407587.1 and 1 more transcripts); c.5290A>C, p.Arg1764= (NM_001407590.1, NM_001407591.1); c.5230A>C, p.Arg1744= (NM_001407593.1, NM_001407594.1, NM_001407596.1 and 7 more transcripts); c.5227A>C, p.Arg1743= (NM_001407610.1, NM_001407611.1, NM_001407612.1 and 17 more transcripts); c.5224A>C, p.Arg1742= (NM_001407627.1, NM_001407628.1, NM_001407629.1 and 14 more transcripts); c.5221A>C, p.Arg1741= (NM_001407644.1, NM_001407645.1); and 72 more.
Identifiers: ClinVar variation 867258 (VCV000867258.3), dbSNP rs2051515528, ClinGen allele CA500144728.